The following is an entry in ClinVar:

ClinVar aggregate classification (germline): Uncertain significance. Review status: criteria provided, single submitter (1 of 4 stars). 2 submissions from 2 submitters: Uncertain significance (1). 1 of the submissions does not count toward it. Last evaluated 2021-08-27.

Conditions:
Charlevoix-Saguenay spastic ataxia (SACS). Also called: SPASTIC ATAXIA 6, AUTOSOMAL RECESSIVE; Spastic ataxia of Charlevoix-Saguenay; AUTOSOMAL RECESSIVE SPASTIC ATAXIA OF CHARLEVOIX-SAGUENAY. Identifiers: Orphanet 98, MedGen C1849140, MONDO:0010041, OMIM 270550.
Spastic paraplegia. Identifiers: MedGen C0037772, HP:0001258.

Allele frequency attached by ClinVar (database versions not stated): gnomAD exomes below 0.00001.
gnomAD v4.1: 3 of 1,614,082 alleles (0.00019%); highest among the groups gnomAD compares: Non-Finnish European, 0.00017%; no homozygotes.

Submissions (2):

Labcorp Genetics (formerly Invitae), Labcorp
Classification: Uncertain significance for Spastic paraplegia. Last evaluated: 2021-08-27. Review status: criteria provided, single submitter. Criteria: Invitae Variant Classification Sherloc (09022015). Collection method: clinical testing. Allele origin: germline.
Comment: This sequence change replaces lysine with glutamic acid at codon 4409 of the SACS protein (p.Lys4409Glu). The lysine residue is moderately conserved and there is a small physicochemical difference between lysine and glutamic acid. This variant is not present in population databases (ExAC no frequency). This variant has not been reported in the literature in individuals affected with SACS-related conditions. Algorithms developed to predict the effect of missense changes on protein structure and function are either unavailable or do not agree on the potential impact of this missense change (SIFT: "Deleterious"; PolyPhen-2: "Benign"; Align-GVGD: "Class C0"). In summary, the available evidence is currently insufficient to determine the role of this variant in disease. Therefore, it has been classified as a Variant of Uncertain Significance.

Natera, Inc.
Classification: Uncertain significance for Charlevoix-Saguenay type spastic ataxia. Last evaluated: 2021-05-25. Review status: no assertion criteria provided. Collection method: clinical testing. Allele origin: germline. Not counted in ClinVar's aggregate classification.

NM_014363.6(SACS):c.13225A>G (p.Lys4409Glu)

Gene: SACS (sacsin molecular chaperone; minus strand). Cytogenetic location: 13q12.12.
Variant type: single nucleotide variant.
Coding change: c.13225A>G on transcript NM_014363.6 (MANE Select); coding-DNA position 13225, A replaced by G.
Protein change: p.Lys4409Glu; replaces lysine 4409 with glutamic acid.
Molecular consequence: missense variant.
Genome position (GRCh38, 1-based): chr13:23,330,651, T>C on the plus strand (A>G on the coding strand, the complement: SACS is on the minus strand). VCF-style: chr13-23330651-T-C. GRCh37 (hg19) VCF-style: chr13-23904790-T-C.
Other names: c.12784A>G, p.Lys4262Glu (NM_001278055.2); short protein forms K4262E, K4409E.
Identifiers: ClinVar variation 1052634 (VCV001052634.7), dbSNP rs775817492, ClinGen allele CA246647968.
Genomic context (GRCh38, chr13:23,330,651, plus strand): 5'-AGTAAGTCTGTCCGGCTGAAGGGGGGCATTTTTCTTTGTTCTGTTGCTGTCTTTCAGATT[T>C]ATGGCTCGTTGCTTCTTGATTCCATGAAGTATAGAATCTCTGAAATGAGTATTTGTCTGA-3'
Protein context (NP_055178.3, residues 4399-4419): TSWNQEATSH[Lys4409Glu]SERQQQNKEK